The following is an entry in ClinVar:

Single allele

Gene: EYS (eyes shut homolog; minus strand). Cytogenetic location: 6q12.
Variant type: Deletion.
Identifiers: ClinVar variation 157013 (VCV000157013.2).

ClinVar aggregate classification (germline): not provided (0 of 4 stars; one submission).

Conditions:
Normal pregnancy. Identifiers: MedGen C0232989.

Submission:

Institute of Molecular and Cell Biology, University of Tartu
No classification provided. Condition: Normal pregnancy. Review status: no classification provided. Collection method: case-control. Allele origin: unknown. Affected: yes. Study: Kasak2014.
Comment: The study aimed to determine the contribution of copy number variants in the genetic etiology of normal and complicated pregnancies. The samples represented (i) maternal blood DNA drawn from healthy pregnant women during 1st or 2nd trimester and (ii) maternal and paternal blood DNA drawn at term pregnancy cases representing normal and complicated gestations (severe preeclampsia, PE; gestational diabetes, GD; small-for-gestational age newborn, SGA; large-for-gestational age newborn, LGA). We performed CNV calling based on genome-wide genotyping dataset (Illumina HumanOmniExpress-24-v1 BeadChip) by applying three algorithms, QuantiSNP, GADA (Genome Alteration Detection Algorithm) and CNstream in parallel. The acquired CNV calls were merged with HD-CNV (Hotspot Detector for Copy Number Variants) program and only the CNVs predicted by at least two programs, were considered in subsequent analysis.

Literature cited by the submitters: PubMed 25666259.